The following is an entry in ClinVar:

ClinVar aggregate classification (germline): Pathogenic/Likely pathogenic. Review status: criteria provided, multiple submitters, no conflicts (2 of 4 stars). 3 submissions from 3 submitters: Pathogenic (2); Likely pathogenic (1). Last evaluated 2023-05-10.

Conditions:
Birt-Hogg-Dube syndrome. Also called: Birt Hogg Dubé syndrome. Identifiers: Orphanet 122, MedGen C0346010, MONDO:0800444.

Submissions (3):

Labcorp Genetics (formerly Invitae), Labcorp
Classification: Pathogenic for Birt-Hogg-Dube syndrome. Last evaluated: 2023-05-10. Review status: criteria provided, single submitter. Criteria: Invitae Variant Classification Sherloc (09022015). Collection method: clinical testing. Allele origin: germline.
Comment: This variant has not been reported in the literature in individuals affected with FLCN-related conditions. For these reasons, this variant has been classified as Pathogenic. This variant disrupts a region of the FLCN protein in which other variant(s) (p.Trp553Arg) have been determined to be pathogenic (Invitae; external communications). This suggests that this is a clinically significant region of the protein, and that variants that disrupt it are likely to be disease-causing. ClinVar contains an entry for this variant (Variation ID: 372879). This variant is not present in population databases (gnomAD no frequency). This sequence change creates a premature translational stop signal (p.Ser526Argfs*4) in the FLCN gene. While this is not anticipated to result in nonsense mediated decay, it is expected to disrupt the last 54 amino acid(s) of the FLCN protein.

Myriad Genetics, Inc.
Classification: Pathogenic for Birt-Hogg-Dube syndrome 1. Last evaluated: 2023-02-09. Review status: criteria provided, single submitter. Criteria: Myriad Autosomal Dominant, Autosomal Recessive and X-Linked Classification Criteria (2023). Collection method: clinical testing. Allele origin: unknown.
Comment: This variant is considered pathogenic. This variant creates a frameshift predicted to result in premature protein truncation.

GeneDx
Classification: Likely pathogenic. Last evaluated: 2016-01-13. Review status: criteria provided, single submitter. Criteria: GeneDx Variant Classification (06012015). Collection method: clinical testing. Allele origin: germline. Affected: yes.
Comment: The c.1578_1599del22 variant in the FLCN gene has not been reported previously as a pathogenic variant nor as a benign variant, to our knowledge. The c.1578_1599del22 variant causes a frameshift starting with codon Serine 526, changes this amino acid to an Arginine residue, and creates a premature Stop codon at position 4 of the new reading frame, denoted p.Ser526ArgfsX4. This variant is predicted to cause loss of normal protein function through protein truncation. The c.1578_1599del22 variant was not observed in approximately 6,500 individuals of European and African American ancestry in the NHLBI Exome Sequencing Project, indicating it is not a common benign variant in these populations. The c.1578_1599del22 variant is a strong candidate for a pathogenic variant, however the possibility it may be a rare benign variant cannot be excluded.

NM_144997.7(FLCN):c.1578_1599del (p.Ser526fs)

Gene: FLCN (folliculin; minus strand). Cytogenetic location: 17p11.2.
Variant type: Deletion.
Coding change: c.1578_1599del on transcript NM_144997.7 (MANE Select); coding-DNA positions 1578 to 1599, 22 bases deleted (TCGACCCAAAGAGGACACACAG).
Protein change: p.Ser526fs; shifts the reading frame from serine 526.
Molecular consequence: frameshift variant.
Genome position (GRCh38, 1-based): chr17:17,213,796-17,213,817, CTGTGTGTCCTCTTTGGGTCGA deleted on the plus strand (TCGACCCAAAGAGGACACACAG on the coding strand, the reverse complement: FLCN is on the minus strand); deleting any 22 consecutive bases within chr17:17,213,796-17,213,821 gives the same sequence; the c. name uses the placement nearest the transcript's 3' end. VCF-style (leftmost placement, unchanged base first): chr17-17213795-TCTGTGTGTCCTCTTTGGGTCGA-T. GRCh37 (hg19) VCF-style: chr17-17117109-TCTGTGTGTCCTCTTTGGGTCGA-T.
Other names: c.1578_1599del (LRG_325t1); c.1632_1653del, p.Ser544fs (NM_001353229.2); c.1578_1599del, p.Ser526fs (NM_001353230.2, NM_001353231.2); c.1578_1599delTCGACCCAAAGAGGACACACAG (NM_144997.5); short protein forms S526fs, S544fs.
Identifiers: ClinVar variation 372879 (VCV000372879.5), dbSNP rs1057518043, ClinGen allele CA16043039.